The following is an entry in ClinVar:

NM_001184.4(ATR):c.1603A>T (p.Met535Leu)

Gene: ATR (ATR checkpoint kinase; minus strand). Cytogenetic location: 3q23.
Variant type: single nucleotide variant.
Coding change: c.1603A>T on transcript NM_001184.4 (MANE Select); coding-DNA position 1603, A replaced by T.
Protein change: p.Met535Leu; replaces methionine 535 with leucine.
Molecular consequence: missense variant.
Genome position (GRCh38, 1-based): chr3:142,559,380, T>A on the plus strand (A>T on the coding strand, the complement: ATR is on the minus strand). VCF-style: chr3-142559380-T-A. GRCh37 (hg19) VCF-style: chr3-142278222-T-A.
Other names: c.1411A>T, p.Met471Leu (NM_001354579.2); short protein forms M471L, M535L.
Identifiers: ClinVar variation 3221056 (VCV003221056.1), dbSNP rs2034797864, ClinGen allele CA354822341.

ClinVar aggregate classification (germline): Uncertain significance (1 of 4 stars; one submission).

Conditions:
Inborn genetic diseases. Identifiers: MedGen C0950123, MeSH D030342.

Submission:

Ambry Genetics
Classification: Uncertain significance for Inborn genetic diseases. Last evaluated: 2023-11-01. Review status: criteria provided, single submitter. Criteria: Ambry Variant Classification Scheme 2023. Collection method: clinical testing. Allele origin: germline.
Comment: The p.M535L variant (also known as c.1603A>T), located in coding exon 7 of the ATR gene, results from an A to T substitution at nucleotide position 1603. The methionine at codon 535 is replaced by leucine, an amino acid with highly similar properties. This amino acid position is conserved. In addition, this alteration is predicted to be tolerated by in silico analysis. Since supporting evidence is limited at this time, the clinical significance of this alteration remains unclear.